The following is an entry in ClinVar:

ClinVar aggregate classification (germline): Conflicting classifications of pathogenicity. Review status: criteria provided, conflicting classifications (1 of 4 stars). 5 submissions from 5 submitters: Uncertain significance (3); Likely benign (1). 1 of the submissions does not count toward it. Last evaluated 2026-06-01.

Conditions:
USH2A-related disorder. Also called: USH2A-related disorders; USH2A-related condition. Identifiers: MedGen CN239332.
Inborn genetic diseases. Identifiers: MedGen C0950123, MeSH D030342.
Usher syndrome type 2A. Also called: RETINAL DISEASE IN USHER SYNDROME TYPE IIA, MODIFIER OF; USHER SYNDROME, TYPE IIA. Identifiers: Orphanet 231178, Orphanet 886, MedGen C1848634, MONDO:0010169, OMIM 276901.

Allele frequency attached by ClinVar (database versions not stated): TOPMed 0.00002; gnomAD 0.00003; ExAC 0.00007; gnomAD exomes 0.00013.
gnomAD v4.1: 47 of 1,613,846 alleles (0.0029%); highest among the groups gnomAD compares: Admixed American, 0.058%; no homozygotes.

Submissions (5):

PreventionGenetics, part of Exact Sciences
Classification: Uncertain significance for USH2A-related condition. Last evaluated: 2026-06-01. Review status: criteria provided, single submitter. Criteria: ACMG Guidelines, 2015. Collection method: clinical testing. Allele origin: germline.
Comment: The USH2A c.3800C>T variant is predicted to result in the amino acid substitution p.Ala1267Val. To our knowledge, this variant has not been reported in the literature. This variant is reported in 0.085% of alleles in individuals of Latino descent in gnomAD. Although we suspect that this variant may be benign, at this time, the clinical significance of this variant is uncertain due to the absence of conclusive functional and genetic evidence.

Labcorp Genetics (formerly Invitae), Labcorp
Classification: Likely benign. Last evaluated: 2025-12-14. Review status: criteria provided, single submitter. Criteria: Invitae Variant Classification Sherloc (09022015). Collection method: clinical testing. Allele origin: germline.

GeneDx
Classification: Uncertain significance. Last evaluated: 2025-07-28. Review status: criteria provided, single submitter. Criteria: GeneDx Variant Classification Process June 2021. Collection method: clinical testing. Allele origin: germline. Affected: yes.
Comment: In silico analysis suggests that this missense variant does not alter protein structure/function; Has not been previously published as pathogenic or benign to our knowledge

Ambry Genetics
Classification: Uncertain significance for Inborn genetic diseases. Last evaluated: 2023-05-17. Review status: criteria provided, single submitter. Criteria: Ambry Variant Classification Scheme 2023. Collection method: clinical testing. Allele origin: germline.

Natera, Inc.
Classification: Uncertain significance for Usher syndrome type 2A. Last evaluated: 2020-03-10. Review status: no assertion criteria provided. Collection method: clinical testing. Allele origin: germline. Not counted in ClinVar's aggregate classification.

NM_206933.4(USH2A):c.3800C>T (p.Ala1267Val)

Genes: USH2A (usherin; minus strand), USH2A-AS1 (USH2A antisense RNA 1; plus strand). Cytogenetic location: 1q41.
Variant type: single nucleotide variant.
Coding change: c.3800C>T on transcript NM_206933.4 (MANE Select); coding-DNA position 3800, C replaced by T.
Protein change: p.Ala1267Val; replaces alanine 1267 with valine.
Molecular consequence: missense variant.
Genome position (GRCh38, 1-based): chr1:216,199,638, G>A on the plus strand (C>T on the coding strand, the complement: USH2A is on the minus strand). VCF-style: chr1-216199638-G-A. GRCh37 (hg19) VCF-style: chr1-216372980-G-A.
Other names: c.3800C>T, p.Ala1267Val (NM_007123.6); short protein forms A1267V.
Identifiers: ClinVar variation 940553 (VCV000940553.14), dbSNP rs768141777, ClinGen allele CA1395920.
Genomic context (GRCh38, chr1:216,199,638, plus strand): 5'-CTCATTCATGTCTTGACCAAAAAGGGGAATCTCAGCCTTGGATTCTTACCATTTAGTTCC[G>A]CTGGTGGAGACCATTCTACATGAAGTTCTGTAGAACTGATTTTCTGCATCTTAGGTGGAC-3'
Protein context (NP_996816.3, residues 1257-1277): TELHVEWSPP[Ala1267Val]ELNGIIIRYE